The following is an entry in ClinVar:

ClinVar aggregate classification (germline): Uncertain significance (1 of 4 stars; one submission).

Conditions:
Hereditary cancer-predisposing syndrome. Also called: Tumor predisposition; Neoplastic Syndromes, Hereditary; Hereditary Cancer Syndrome; Hereditary neoplastic syndrome. Identifiers: Orphanet 140162, MedGen C0027672, MeSH D009386, MONDO:0015356.

Submission:

Ambry Genetics
Classification: Uncertain significance for Hereditary cancer-predisposing syndrome. Last evaluated: 2025-01-08. Review status: criteria provided, single submitter. Criteria: Ambry Variant Classification Scheme 2023. Collection method: clinical testing. Allele origin: germline.
Comment: The p.K1593N variant (also known as c.4779G>T), located in coding exon 15 of the APC gene, results from a G to T substitution at nucleotide position 4779. The lysine at codon 1593 is replaced by asparagine, an amino acid with similar properties. This amino acid position is conserved. In addition, in silico predictors for this gene do not accurately predict pathogenicity. Based on the available evidence, the clinical significance of this variant remains unclear.

NM_000038.6(APC):c.4779G>T (p.Lys1593Asn)

Gene: APC (APC regulator of Wnt signaling pathway; plus strand). Cytogenetic location: 5q22.2.
Variant type: single nucleotide variant.
Coding change: c.4779G>T on transcript NM_000038.6 (MANE Select); coding-DNA position 4779, G replaced by T.
Protein change: p.Lys1593Asn; replaces lysine 1593 with asparagine.
Molecular consequence: missense variant. On other transcripts: non-coding transcript variant (2).
Genome position (GRCh38, 1-based): chr5:112,840,373, G>T. VCF-style: chr5-112840373-G-T. GRCh37 (hg19) VCF-style: chr5-112176070-G-T.
Other names: c.4779G>T, p.Lys1593Asn (NM_001127510.3, NM_001354895.2, NM_001407450.1); c.4725G>T, p.Lys1575Asn (NM_001127511.3); c.4833G>T, p.Lys1611Asn (NM_001354896.2, NM_001407447.1, NM_001407448.1 and 1 more transcripts); c.4809G>T, p.Lys1603Asn (NM_001354897.2); c.4704G>T, p.Lys1568Asn (NM_001354898.2); c.4695G>T, p.Lys1565Asn (NM_001354899.2); c.4656G>T, p.Lys1552Asn (NM_001354900.2); c.4602G>T, p.Lys1534Asn (NM_001354901.2, NM_001407453.1); and 11 more; short protein forms K1552N, K1209N, K1310N, K1467N, K1492N, K1586N, K1603N, K1433N.
Identifiers: ClinVar variation 3881586 (VCV003881586.1).
Genomic context (GRCh38, chr5:112,840,373, plus strand): 5'-AATACTAGAAGAATGTATTATTTCTGCCATGCCAACAAAGTCATCACGTAAAGCAAAAAA[G>T]CCAGCCCAGACTGCTTCAAAATTACCTCCACCTGTGGCAAGGAAACCAAGTCAGCTGCCT-3'
Protein context (NP_000029.2, residues 1583-1603): MPTKSSRKAK[Lys1593Asn]PAQTASKLPP